The following is an entry in ClinVar:

ClinVar aggregate classification (germline): Uncertain significance (1 of 4 stars; one submission).

Submission:

Labcorp Genetics (formerly Invitae), Labcorp
Classification: Uncertain significance. Last evaluated: 2024-06-09. Review status: criteria provided, single submitter. Criteria: Invitae Variant Classification Sherloc (09022015). Collection method: clinical testing. Allele origin: germline.
Comment: This sequence change replaces phenylalanine, which is neutral and non-polar, with leucine, which is neutral and non-polar, at codon 21 of the MYCN protein (p.Phe21Leu). This variant is not present in population databases (gnomAD no frequency). This variant has not been reported in the literature in individuals affected with MYCN-related conditions. Advanced modeling of protein sequence and biophysical properties (such as structural, functional, and spatial information, amino acid conservation, physicochemical variation, residue mobility, and thermodynamic stability) has been performed at Invitae for this missense variant, however the output from this modeling did not meet the statistical confidence thresholds required to predict the impact of this variant on MYCN protein function. In summary, the available evidence is currently insufficient to determine the role of this variant in disease. Therefore, it has been classified as a Variant of Uncertain Significance.

NM_005378.6(MYCN):c.63T>G (p.Phe21Leu)

Genes: MYCN (MYCN proto-oncogene, bHLH transcription factor; plus strand), MYCNOS (MYCN opposite strand; minus strand). Cytogenetic location: 2p24.3.
Variant type: single nucleotide variant.
Coding change: c.63T>G on transcript NM_005378.6 (MANE Select); coding-DNA position 63, T replaced by G.
Protein change: p.Phe21Leu; replaces phenylalanine 21 with leucine.
Molecular consequence: missense variant. On other transcripts: stop lost (1), intron variant (1).
Genome position (GRCh38, 1-based): chr2:15,942,127, T>G. VCF-style: chr2-15942127-T-G. GRCh37 (hg19) VCF-style: chr2-16082249-T-G.
Other names: c.63T>G, p.Phe21Leu (NM_001293228.2); c.337T>G, p.Ter113Gly (NM_001293233.2); c.157+1384T>G (NM_001293231.2); short protein forms F21L.
Identifiers: ClinVar variation 3656041 (VCV003656041.2).
Genomic context (GRCh38, chr2:15,942,127, plus strand): 5'-GCCGAGCTGCTCCACGTCCACCATGCCGGGCATGATCTGCAAGAACCCAGACCTCGAGTT[T>G]GACTCGCTACAGCCCTGCTTCTACCCGGACGAAGATGACTTCTACTTCGGCGGCCCCGAC-3'
Protein context (NP_005369.2, residues 11-31): GMICKNPDLE[Phe21Leu]DSLQPCFYPD